The following is an entry in ClinVar:

ClinVar aggregate classification (germline): Uncertain significance. Review status: criteria provided, multiple submitters, no conflicts (2 of 4 stars). 2 submissions from 2 submitters: Uncertain significance (2). Last evaluated 2025-01-20.

Conditions:
Inborn genetic diseases. Identifiers: MedGen C0950123, MeSH D030342.

Allele frequency attached by ClinVar (database versions not stated): gnomAD exomes below 0.00001; ExAC 0.00001; TOPMed 0.00001.

Submissions (2):

Labcorp Genetics (formerly Invitae), Labcorp
Classification: Uncertain significance. Last evaluated: 2025-01-20. Review status: criteria provided, single submitter. Criteria: Invitae Variant Classification Sherloc (09022015). Collection method: clinical testing. Allele origin: germline.
Comment: This sequence change replaces methionine, which is neutral and non-polar, with valine, which is neutral and non-polar, at codon 719 of the WNK4 protein (p.Met719Val). This variant is present in population databases (rs753010428, gnomAD 0.01%). This variant has not been reported in the literature in individuals affected with WNK4-related conditions. ClinVar contains an entry for this variant (Variation ID: 2311366). Experimental studies and prediction algorithms are not available or were not evaluated, and the functional significance of this variant is currently unknown. In summary, the available evidence is currently insufficient to determine the role of this variant in disease. Therefore, it has been classified as a Variant of Uncertain Significance.

Ambry Genetics
Classification: Uncertain significance for Inborn genetic diseases. Last evaluated: 2022-09-07. Review status: criteria provided, single submitter. Criteria: Ambry Variant Classification Scheme 2023. Collection method: clinical testing. Allele origin: germline.

NM_032387.5(WNK4):c.2155A>G (p.Met719Val)

Gene: WNK4 (WNK lysine deficient protein kinase 4; plus strand). Cytogenetic location: 17q21.2.
Variant type: single nucleotide variant.
Coding change: c.2155A>G on transcript NM_032387.5 (MANE Select); coding-DNA position 2155, A replaced by G.
Protein change: p.Met719Val; replaces methionine 719 with valine.
Molecular consequence: missense variant.
Genome position (GRCh38, 1-based): chr17:42,788,795, A>G. VCF-style: chr17-42788795-A-G. GRCh37 (hg19) VCF-style: chr17-40940813-A-G.
Other names: c.1147A>G, p.Met383Val (NM_001321299.2); short protein forms M719V, M383V.
Identifiers: ClinVar variation 2311366 (VCV002311366.5), dbSNP rs753010428, ClinGen allele CA8584224.